The following is an entry in ClinVar:

NM_000268.4(NF2):c.991A>G (p.Arg331Gly)

Gene: NF2 (NF2, moesin-ezrin-radixin like (MERLIN) tumor suppressor; plus strand). Cytogenetic location: 22q12.2.
Variant type: single nucleotide variant.
Coding change: c.991A>G on transcript NM_000268.4 (MANE Select); coding-DNA position 991, A replaced by G.
Protein change: p.Arg331Gly; replaces arginine 331 with glycine.
Molecular consequence: missense variant. On other transcripts: non-coding transcript variant (1), intron variant (1).
Genome position (GRCh38, 1-based): chr22:29,668,438, A>G. VCF-style: chr22-29668438-A-G. GRCh37 (hg19) VCF-style: chr22-30064427-A-G.
Other names: c.991A>G, p.Arg331Gly (NM_016418.5, NM_181825.3, NM_181832.3); c.865A>G, p.Arg289Gly (NM_181828.3); c.868A>G, p.Arg290Gly (NM_181829.3); c.742A>G, p.Arg248Gly (NM_181830.3, NM_181831.3); c.447+26153A>G (NM_181833.3); c.991A>G (NM_000268.3); short protein forms R248G, R289G, R331G, R290G.
Identifiers: ClinVar variation 1368462 (VCV001368462.11), dbSNP rs2147053223, ClinGen allele CA411146164.

ClinVar aggregate classification (germline): Uncertain significance. Review status: criteria provided, multiple submitters, no conflicts (2 of 4 stars). 2 submissions from 2 submitters: Uncertain significance (2). Last evaluated 2025-12-15.

Conditions:
Hereditary cancer-predisposing syndrome. Also called: Tumor predisposition; Neoplastic Syndromes, Hereditary; Hereditary Cancer Syndrome; Hereditary neoplastic syndrome. Identifiers: Orphanet 140162, MedGen C0027672, MeSH D009386, MONDO:0015356.
Neurofibromatosis, type 2 (SWNV). Also called: BILATERAL ACOUSTIC NEUROFIBROMATOSIS; NF2-Related Schwannomatosis; SCHWANNOMATOSIS, VESTIBULAR. Identifiers: Orphanet 637, MedGen C0027832, MONDO:0007039, OMIM 101000. Disease mechanism: loss of function.

Submissions (2):

Ambry Genetics
Classification: Uncertain significance for Hereditary cancer-predisposing syndrome. Last evaluated: 2025-12-15. Review status: criteria provided, single submitter. Criteria: Ambry Variant Classification Scheme 2023. Collection method: clinical testing. Allele origin: germline.
Comment: The p.R331G variant (also known as c.991A>G), located in coding exon 10 of the NF2 gene, results from an A to G substitution at nucleotide position 991. The arginine at codon 331 is replaced by glycine, an amino acid with dissimilar properties. This amino acid position is conserved. In addition, the in silico prediction for this alteration is inconclusive. Since supporting evidence is limited at this time, the clinical significance of this alteration remains unclear.

Labcorp Genetics (formerly Invitae), Labcorp
Classification: Uncertain significance for Neurofibromatosis, type 2. Last evaluated: 2025-07-13. Review status: criteria provided, single submitter. Criteria: Invitae Variant Classification Sherloc (09022015). Collection method: clinical testing. Allele origin: germline.
Comment: This sequence change replaces arginine, which is basic and polar, with glycine, which is neutral and non-polar, at codon 331 of the NF2 protein (p.Arg331Gly). This variant is not present in population databases (gnomAD no frequency). This variant has not been reported in the literature in individuals affected with NF2-related conditions. ClinVar contains an entry for this variant (Variation ID: 1368462). Invitae Evidence Modeling of protein sequence and biophysical properties (such as structural, functional, and spatial information, amino acid conservation, physicochemical variation, residue mobility, and thermodynamic stability) indicates that this missense variant is expected to disrupt NF2 protein function with a positive predictive value of 80%. In summary, the available evidence is currently insufficient to determine the role of this variant in disease. Therefore, it has been classified as a Variant of Uncertain Significance.